The following is an entry in ClinVar:

ClinVar aggregate classification (germline): Uncertain significance (1 of 4 stars; one submission).

Submission:

Labcorp Genetics (formerly Invitae), Labcorp
Classification: Uncertain significance. Last evaluated: 2022-12-09. Review status: criteria provided, single submitter. Criteria: Invitae Variant Classification Sherloc (09022015). Collection method: clinical testing. Allele origin: germline.
Comment: This sequence change replaces proline, which is neutral and non-polar, with serine, which is neutral and polar, at codon 201 of the IMPG1 protein (p.Pro201Ser). This variant is not present in population databases (gnomAD no frequency). This variant has not been reported in the literature in individuals affected with IMPG1-related conditions. Algorithms developed to predict the effect of missense changes on protein structure and function output the following: SIFT: "Tolerated"; PolyPhen-2: "Benign"; Align-GVGD: "Class C0". The serine amino acid residue is found in multiple mammalian species, which suggests that this missense change does not adversely affect protein function. In summary, the available evidence is currently insufficient to determine the role of this variant in disease. Therefore, it has been classified as a Variant of Uncertain Significance.

NM_001563.4(IMPG1):c.601C>T (p.Pro201Ser)

Gene: IMPG1 (interphotoreceptor matrix proteoglycan 1; minus strand). Cytogenetic location: 6q14.1.
Variant type: single nucleotide variant.
Coding change: c.601C>T on transcript NM_001563.4 (MANE Select); coding-DNA position 601, C replaced by T.
Protein change: p.Pro201Ser; replaces proline 201 with serine.
Molecular consequence: missense variant.
Genome position (GRCh38, 1-based): chr6:76,022,181, G>A on the plus strand (C>T on the coding strand, the complement: IMPG1 is on the minus strand). VCF-style: chr6-76022181-G-A. GRCh37 (hg19) VCF-style: chr6-76731898-G-A.
Other names: c.367C>T, p.Pro123Ser (NM_001282368.2); short protein forms P123S, P201S.
Identifiers: ClinVar variation 2781724 (VCV002781724.3), dbSNP rs759925201, ClinGen allele CA364779337.